The following is an entry in ClinVar:

ClinVar aggregate classification (germline): Uncertain significance (1 of 4 stars; one submission).

Conditions:
HIF3A-related condition.

Submission:

PreventionGenetics, part of Exact Sciences
Classification: Uncertain significance for HIF3A-related condition. Last evaluated: 2024-11-02. Review status: criteria provided, single submitter. Criteria: ACMG Guidelines, 2015. Collection method: clinical testing. Allele origin: germline.
Comment: The HIF3A c.1621C>T variant is predicted to result in the amino acid substitution p.Pro541Ser. To our knowledge, this variant has not been reported in the literature or in a large population database (gnomAD), indicating this variant is rare. At this time, the clinical significance of this variant is uncertain due to the absence of conclusive functional and genetic evidence.

NM_152795.4(HIF3A):c.1621C>T (p.Pro541Ser)

Gene: HIF3A (hypoxia inducible factor 3 subunit alpha; plus strand). Cytogenetic location: 19q13.32.
Variant type: single nucleotide variant.
Coding change: c.1621C>T on transcript NM_152795.4 (MANE Select); coding-DNA position 1621, C replaced by T.
Protein change: p.Pro541Ser; replaces proline 541 with serine.
Molecular consequence: missense variant. On other transcripts: intron variant (1).
Genome position (GRCh38, 1-based): chr19:46,329,387, C>T. VCF-style: chr19-46329387-C-T. GRCh37 (hg19) VCF-style: chr19-46832644-C-T.
Other names: c.1414C>T, p.Pro472Ser (NM_022462.4); c.1615C>T, p.Pro539Ser (NM_152794.4); c.1233+3748C>T (NM_152796.2); short protein forms P541S, P472S, P539S.
Identifiers: ClinVar variation 4996733 (VCV004996733.1).